The following is an entry in ClinVar:

ClinVar aggregate classification (germline): Uncertain significance. Review status: criteria provided, single submitter (1 of 4 stars). 2 submissions from 2 submitters: Uncertain significance (1). 1 of the submissions does not count toward it. Last evaluated 2022-11-14.

Conditions:
Cleidocranial dysplasia 2 (CLCD2). Identifiers: MedGen C5774243, MONDO:0859307, OMIM 620099.

Submissions (2):

GeneDx
Classification: Uncertain significance. Last evaluated: 2022-11-14. Review status: criteria provided, single submitter. Criteria: GeneDx Variant Classification Process June 2021. Collection method: clinical testing. Allele origin: germline. Affected: yes.
Comment: Canonical splice site variant in a gene or region of a gene for which loss of function is not a well-established mechanism of disease; Not observed at significant frequency in large population cohorts (gnomAD); This variant is associated with the following publications: (PMID: 36241386)

OMIM
Classification: Pathogenic for CLEIDOCRANIAL DYSPLASIA 2. Last evaluated: 2023-04-25. Review status: no assertion criteria provided. Collection method: literature only. Allele origin: germline. Not counted in ClinVar's aggregate classification.

Literature cited by the submitters: PubMed 36241386 (cited by OMIM).

NM_022845.3(CBFB):c.283-2A>G

Gene: CBFB (core-binding factor subunit beta; plus strand). Cytogenetic location: 16q22.1.
Variant type: single nucleotide variant.
Coding change: c.283-2A>G on transcript NM_022845.3 (MANE Select); the canonical splice acceptor site of the intron before coding-DNA position 283, A replaced by G.
Molecular consequence: splice acceptor variant. On other transcripts: intron variant (2).
Genome position (GRCh38, 1-based): chr16:67,066,680, A>G. VCF-style: chr16-67066680-A-G. GRCh37 (hg19) VCF-style: chr16-67100583-A-G.
Other names: IVS3, A-G, -2; c.283-2A>G (NM_001755.3); c.283-15533A>G (NM_001368710.1, NM_001368708.1); c.166-2A>G (NM_001368709.1, NM_001368707.1).
Identifiers: ClinVar variation 1712246 (VCV001712246.4), dbSNP rs2544454408, ClinGen allele CA396231263.